The following is an entry in ClinVar:

NM_182961.4(SYNE1):c.25139G>T (p.Cys8380Phe)

Gene: SYNE1 (spectrin repeat containing nuclear envelope protein 1; minus strand). Cytogenetic location: 6q25.2.
Variant type: single nucleotide variant.
Coding change: c.25139G>T on transcript NM_182961.4 (MANE Select); coding-DNA position 25139, G replaced by T.
Protein change: p.Cys8380Phe; replaces cysteine 8380 with phenylalanine.
Molecular consequence: missense variant.
Genome position (GRCh38, 1-based): chr6:152,141,310, C>A on the plus strand (G>T on the coding strand, the complement: SYNE1 is on the minus strand). VCF-style: chr6-152141310-C-A. GRCh37 (hg19) VCF-style: chr6-152462445-C-A.
Other names: c.1745G>T, p.Cys582Phe (NM_001347701.2); c.1673G>T, p.Cys558Phe (NM_001347702.2); c.24995G>T, p.Cys8332Phe (NM_033071.5); short protein forms C582F, C8380F, C558F, C8332F.
Identifiers: ClinVar variation 1979924 (VCV001979924.4), dbSNP rs2549659705, ClinGen allele CA366082337.

ClinVar aggregate classification (germline): Uncertain significance (1 of 4 stars; one submission).

Conditions:
Emery-Dreifuss muscular dystrophy 4, autosomal dominant (EDMD4). Also called: EMERY-DREIFUSS MUSCULAR DYSTROPHY 4 WITH VARIABLE FEATURES. Identifiers: Orphanet 261, MedGen C2751807, MONDO:0013071, OMIM 612998.
Autosomal recessive ataxia, Beauce type. Also called: SYNE1 Deficiency; Spinocerebellar ataxia, autosomal recessive 8; ATAXIA, RECESSIVE, OF BEAUCE; SYNE1-Related Autosomal Recessive Cerebellar Ataxia. Identifiers: Orphanet 88644, MedGen C1853116, MONDO:0012549, OMIM 610743.

Submission:

Labcorp Genetics (formerly Invitae), Labcorp
Classification: Uncertain significance for Emery-Dreifuss muscular dystrophy 4, autosomal dominant; Autosomal recessive ataxia, Beauce type. Last evaluated: 2022-09-27. Review status: criteria provided, single submitter. Criteria: Invitae Variant Classification Sherloc (09022015). Collection method: clinical testing. Allele origin: germline.
Comment: In summary, the available evidence is currently insufficient to determine the role of this variant in disease. Therefore, it has been classified as a Variant of Uncertain Significance. Algorithms developed to predict the effect of missense changes on protein structure and function are either unavailable or do not agree on the potential impact of this missense change (SIFT: "Deleterious"; PolyPhen-2: "Probably Damaging"; Align-GVGD: "Class C0"). This variant has not been reported in the literature in individuals affected with SYNE1-related conditions. This variant is not present in population databases (gnomAD no frequency). This sequence change replaces cysteine, which is neutral and slightly polar, with phenylalanine, which is neutral and non-polar, at codon 8332 of the SYNE1 protein (p.Cys8332Phe).